The following is an entry in ClinVar:

NM_014845.6(FIG4):c.1165A>G (p.Ile389Val)

Gene: FIG4 (FIG4 phosphoinositide 5-phosphatase; plus strand). Cytogenetic location: 6q21.
Variant type: single nucleotide variant.
Coding change: c.1165A>G on transcript NM_014845.6 (MANE Select); coding-DNA position 1165, A replaced by G.
Protein change: p.Ile389Val; replaces isoleucine 389 with valine.
Molecular consequence: missense variant.
Genome position (GRCh38, 1-based): chr6:109,760,277, A>G. VCF-style: chr6-109760277-A-G. GRCh37 (hg19) VCF-style: chr6-110081480-A-G.
Other names: short protein forms I389V.
Identifiers: ClinVar variation 1039153 (VCV001039153.7), dbSNP rs765216035, ClinGen allele CA3956007.

ClinVar aggregate classification (germline): Uncertain significance (1 of 4 stars; one submission).

Conditions:
Charcot-Marie-Tooth disease type 4. Also called: Charcot-Marie-Tooth, Type 4; Charcot-Marie-Tooth disease, type IV. Identifiers: Orphanet 64749, MedGen C4082197, MONDO:0018995.

Allele frequency attached by ClinVar (database versions not stated): TOPMed below 0.00001; ExAC 0.00001; gnomAD exomes 0.00001.
gnomAD v4.1: 20 of 1,613,880 alleles (0.0012%); highest among the groups gnomAD compares: Non-Finnish European, 0.0015%; no homozygotes.

Submission:

Labcorp Genetics (formerly Invitae), Labcorp
Classification: Uncertain significance for Charcot-Marie-Tooth disease type 4. Last evaluated: 2022-07-12. Review status: criteria provided, single submitter. Criteria: Invitae Variant Classification Sherloc (09022015). Collection method: clinical testing. Allele origin: germline.
Comment: This sequence change replaces isoleucine, which is neutral and non-polar, with valine, which is neutral and non-polar, at codon 389 of the FIG4 protein (p.Ile389Val). This variant is present in population databases (rs765216035, gnomAD 0.002%). This variant has not been reported in the literature in individuals affected with FIG4-related conditions. ClinVar contains an entry for this variant (Variation ID: 1039153). Algorithms developed to predict the effect of missense changes on protein structure and function (SIFT, PolyPhen-2, Align-GVGD) all suggest that this variant is likely to be tolerated. In summary, the available evidence is currently insufficient to determine the role of this variant in disease. Therefore, it has been classified as a Variant of Uncertain Significance.